The following is an entry in ClinVar:

NM_001142864.4(PIEZO1):c.4420G>A (p.Ala1474Thr)

Gene: PIEZO1 (piezo type mechanosensitive ion channel component 1 (Er blood group); minus strand). Cytogenetic location: 16q24.3.
Variant type: single nucleotide variant.
Coding change: c.4420G>A on transcript NM_001142864.4 (MANE Select); coding-DNA position 4420, G replaced by A.
Protein change: p.Ala1474Thr; replaces alanine 1474 with threonine.
Molecular consequence: missense variant.
Genome position (GRCh38, 1-based): chr16:88,723,244, C>T on the plus strand (G>A on the coding strand, the complement: PIEZO1 is on the minus strand). VCF-style: chr16-88723244-C-T. GRCh37 (hg19) VCF-style: chr16-88789652-C-T.
Other names: c.2962G>A, p.Ala988Thr (NM_014745.1); short protein forms A1474T, A988T.
Identifiers: ClinVar variation 2393658 (VCV002393658.5), dbSNP rs1330770941, ClinGen allele CA397097314.
Genomic context (GRCh38, chr16:88,723,244, plus strand): 5'-TCCCGCGGCTTCCCCTCAGAGTCCCCACGCCCCCCAGCTCACCTGTGGGTAGCTGTCCTG[C>T]CTGTTCCTGCCTTGCCTGCTCCTGCTCCTGCTGCCGCCGCCTCAGCACCGCCTGGGCGTT-3'
Protein context (NP_001136336.2, residues 1464-1484): QEQEQARQEQ[Ala1474Thr]GQLPTGGGPS

ClinVar aggregate classification (germline): Uncertain significance. Review status: criteria provided, multiple submitters, no conflicts (2 of 4 stars). 3 submissions from 3 submitters: Uncertain significance (3). Last evaluated 2025-06-01.

Conditions:
Inborn genetic diseases. Identifiers: MedGen C0950123, MeSH D030342.

Allele frequency attached by ClinVar (database versions not stated): gnomAD exomes below 0.00001; TOPMed 0.00001.
gnomAD v4.1: 6 of 1,545,910 alleles (0.00039%); highest among the groups gnomAD compares: African/African-American, 0.0014%; no homozygotes.

Submissions (3):

GeneDx
Classification: Uncertain significance. Last evaluated: 2025-06-01. Review status: criteria provided, single submitter. Criteria: GeneDx Variant Classification Process June 2021. Collection method: clinical testing. Allele origin: germline. Affected: yes.
Comment: Not observed at significant frequency in large population cohorts (gnomAD); In silico analysis suggests that this missense variant does not alter protein structure/function; Has not been previously published as pathogenic or benign to our knowledge

Revvity Omics, Revvity
Classification: Uncertain significance. Last evaluated: 2023-07-17. Review status: criteria provided, single submitter. Criteria: ACMG Guidelines, 2015. Collection method: clinical testing. Allele origin: germline.

Ambry Genetics
Classification: Uncertain significance for Inborn genetic diseases. Last evaluated: 2022-04-06. Review status: criteria provided, single submitter. Criteria: Ambry Variant Classification Scheme 2023. Collection method: clinical testing. Allele origin: germline.